The following is an entry in ClinVar:

ClinVar aggregate classification (germline): Pathogenic. Review status: criteria provided, multiple submitters, no conflicts (2 of 4 stars). 19 submissions from 19 submitters: Pathogenic (18). 1 of the submissions does not count toward it. Last evaluated 2026-07-26.

Conditions:
Familial hypokalemia-hypomagnesemia (GTLMNS). Also called: gitelman syndrome; HYPOMAGNESEMIA-HYPOKALEMIA, PRIMARY RENOTUBULAR, WITH HYPOCALCIURIA; POTASSIUM AND MAGNESIUM DEPLETION. Identifiers: Orphanet 358, MedGen C0268450, MONDO:0009904, OMIM 263800.
Renal tubulopathies.
SLC12A3-related disorder. Also called: SLC12A3-related condition.

Allele frequency attached by ClinVar (database versions not stated): TOPMed 0.00002; gnomAD 0.00001; gnomAD exomes 0.00002 and 0.00003; ExAC 0.00004.
gnomAD v4.1: 35 of 1,610,004 alleles (0.0022%); highest among the groups gnomAD compares: Non-Finnish European, 0.0025%; no homozygotes.

Submissions 1 to 13 of 19:

Genetics Laboratory, Great Ormond Street Hospital NHS Foundation Trust, North Thames Genomic Laboratory Hub
Classification: Pathogenic for Renal tubulopathies. Last evaluated: 2026-07-26. Review status: criteria provided, single submitter. Criteria: ACGS Best Practice Guidelines for Variant Classification in Rare Disease 2024 v1.2. Collection method: clinical testing. Allele origin: germline. Affected: yes.
Comment: PM2_moderate, PVS1_very-strong, PM3_strong

Nephrology, University of Crete, University General Hospital of Heraklion
Classification: Pathogenic for Familial hypokalemia-hypomagnesemia. Last evaluated: 2025-11-05. Review status: criteria provided, single submitter. Criteria: ACMG Guidelines, 2015. Collection method: clinical testing. Allele origin: unknown. Affected: yes.

Labcorp Genetics (formerly Invitae), Labcorp
Classification: Pathogenic. Last evaluated: 2025-10-15. Review status: criteria provided, single submitter. Criteria: Invitae Variant Classification Sherloc (09022015). Collection method: clinical testing. Allele origin: germline.
Comment: This sequence change affects a donor splice site in intron 9 of the SLC12A3 gene. It is expected to disrupt RNA splicing. Variants that disrupt the donor or acceptor splice site typically lead to a loss of protein function (PMID: 16199547), and loss-of-function variants in SLC12A3 are known to be pathogenic (PMID: 20848653, 22009145, 25841442). This variant is present in population databases (rs749098014, gnomAD 0.005%). Disruption of this splice site has been observed in individuals with Gitelman syndrome (PMID: 14675033, 25422309, 28325561). This variant is also known as "intron 9 +1 G>T". ClinVar contains an entry for this variant (Variation ID: 437426). Algorithms developed to predict the effect of sequence changes on RNA splicing suggest that this variant may disrupt the consensus splice site. For these reasons, this variant has been classified as Pathogenic.

Natera, Inc.
Classification: Pathogenic for Gitelman syndrome. Last evaluated: 2025-05-08. Review status: criteria provided, single submitter. Criteria: Natera Variant Classification Schema (03/2026). Collection method: clinical testing. Allele origin: germline.
Comment: The c.1180+1G>T variant in SLC12A3 is a canonical splice donor site variant predicted to affect pre-mRNA splicing, which may result in an abnormal transcript and altered protein product. This variant is expected to result in nonsense mediated decay, truncation, or a dysfunctional protein product. This variant is rare in the general population with a frequency below the threshold expected for the associated phenotype(s). This variant has been observed in one or more individuals affected with the associated recessive disease, as either homozygous or compound heterozygous with a second variant (PMID: 21753071, 25422309). Given the available evidence, this variant is classified as Pathogenic.

Blueprint Genetics
Classification: Pathogenic for SLC12A3-related disorders. Last evaluated: 2024-11-25. Review status: criteria provided, single submitter. Criteria: ACMG Guidelines, 2015. Collection method: clinical testing. Allele origin: germline. Affected: yes. Observed: 5 variant alleles.

Broad Center for Mendelian Genomics, Broad Institute of MIT and Harvard
Classification: Pathogenic for Familial hypokalemia-hypomagnesemia. Last evaluated: 2023-05-02. Review status: criteria provided, single submitter. Criteria: ACMG Guidelines, 2015. Collection method: curation. Allele origin: germline. Inheritance: Autosomal recessive inheritance.
Comment: The c.1180+1G>T variant in SLC12A3 has been reported in 50 unrelated individuals with Gitelman syndrome (PMID: 33532864, PMID: 33532864, PMID: 22009145, PMID: 21415153, SCV001427187.2, SCV000598146.1, PMID: 14675033, PMID: 16221718), segregated with disease in 20 affected relatives from 12 families (PMID: 14675033), but has been identified in 0.004% (5/112998) of European (non-Finnish) chromosomes by the Genome Aggregation Database (gnomAD; dbSNP ID: rs749098014). Although this variant has been seen in the general population in a heterozygous state, its frequency is low enough to be consistent with a recessive carrier frequency. Of these 50 affected individuals, 37 were homozygotes (PMID: 33532864, PMID: 22009145, PMID: 21415153, SCV001427187.2, SCV000598146.1, PMID: 14675033, PMID: 16221718), two were compound heterozygotes who carried pathogenic or likely pathogenic variants in trans (PMID: 28325561; PMID: 21415153, ClinVar Variation ID: 1073480), and seven were presumed compound heterozygotes who carried pathogenic or likely pathogenic variants in unknown phase (PMID: 25422309, ClinVar Variation ID: 372504, ClinVar Variation ID: 586604; PMID: 21415153, ClinVar Variation ID: 1071754, ClinVar Variation ID: 974506, ClinVar Variation ID: 8584, ClinVar Variation ID: 437926, ClinVar Variation ID: 8591), which increases the likelihood that the c.1180+1G>T variant in SLC12A3 is pathogenic. This variant has also been reported in ClinVar (Variation ID: 437426) and has been interpreted as pathogenic by multiple submitters. RT-PCR analysis performed on affected tissue shows evidence of exon skipping of exon 9 (PMID: 16221718). This variant is located in the 3' splice region. Computational tools predict a splicing impact, though this information is not predictive enough to determine pathogenicity. Loss of function of the SLC12A3 gene is an established disease mechanism in Gitelman syndrome. In summary, this variant meets criteria to be classified as pathogenic for autosomal recessive Gitelman syndrome. ACMG/AMP Criteria applied: PVS1, PS3_Moderate, PM2_Supporting, PM3_VeryStrong, PP1_Strong (Richards 2015)

GeneDx
Classification: Pathogenic. Last evaluated: 2023-01-23. Review status: criteria provided, single submitter. Criteria: GeneDx Variant Classification Process June 2021. Collection method: clinical testing. Allele origin: germline. Affected: yes.
Comment: Canonical splice site variant predicted to result in a null allele in a gene for which loss of function is a known mechanism of disease; This variant is associated with the following publications: (PMID: 22009145, 20412406, 25841442, 20848653, 26221292, 25422309, 28325561, 21753071, 32742169, 34426522, 31589614, 32939031, 31672324, 30586318, 16221718, 14675033)

Victorian Clinical Genetics Services, Murdoch Childrens Research Institute
Classification: Pathogenic for Familial hypokalemia-hypomagnesemia. Last evaluated: 2022-09-02. Review status: criteria provided, single submitter. Criteria: ACMG Guidelines, 2015. Collection method: clinical testing. Allele origin: germline. Inheritance: Autosomal recessive inheritance. Affected: yes.
Comment: Based on the classification scheme VCGS_Germline_v1.3.4, this variant is classified as Pathogenic. Following criteria are met: 0102 - Loss of function is a known mechanism of disease in this gene and is associated with Gitelman syndrome (MIM#263800). (I) 0106 - This gene is associated with autosomal recessive disease. (I) 0211 - Canonical splice site variant without proven consequence on splicing (no functional evidence available). (SP) 0252 - This variant is homozygous. (I) 0304 - Variant is present in gnomAD (v2) <0.01 for a recessive condition (7 heterozygotes, 0 homozygotes). (SP) 0505 - Abnormal splicing is predicted by in silico tools and affected nucleotide is highly conserved. (SP) 0704 - Another canonical splice variant comparable to the one identified in this case has limited previous evidence for pathogenicity. The c.1180+2T>C variant has been classified as pathogenic by one clinical diagnostic laboratory (ClinVar). (SP) 0801 - This variant has strong previous evidence of pathogenicity in unrelated individuals. This variant has been classified as pathogenic by multiple clinical diagnostic laboratories and has been reported in both homozygous and compound heterozygous individuals with Gitelman syndrome (ClinVar, VCGS, PMIDs: 28325561, 14675033). (SP) 1208 - Inheritance information for this variant is not currently available in this individual. (I) Legend: (SP) - Supporting pathogenic, (I) - Information, (SB) - Supporting benign

Revvity Omics, Revvity
Classification: Pathogenic for Familial hypokalemia-hypomagnesemia. Last evaluated: 2022-06-30. Review status: criteria provided, single submitter. Criteria: ACMG Guidelines, 2015. Collection method: clinical testing. Allele origin: germline.

European Hospital Georges Pompidou Genetics Department, Assistance Publique - Hôpitaux de Paris AP-HP
Classification: Pathogenic for Familial hypokalemia-hypomagnesemia. Last evaluated: 2022-04-27. Review status: criteria provided, single submitter. Criteria: ACMG Guidelines, 2015. Collection method: clinical testing. Allele origin: germline. Affected: yes.
Comment: ACMG criteria used:PS4, PM1, PM2, PM3, PP3, PP5

Fulgent Genetics
Classification: Pathogenic for Familial hypokalemia-hypomagnesemia. Last evaluated: 2021-12-14. Review status: criteria provided, single submitter. Criteria: ACMG Guidelines, 2015. Collection method: clinical testing. Allele origin: unknown.

Laboratory of Medical Genetics, National & Kapodistrian University of Athens
Classification: Pathogenic for Familial hypokalemia-hypomagnesemia. Last evaluated: 2021-10-05. Review status: criteria provided, single submitter. Criteria: ACMG Guidelines, 2015. Collection method: clinical testing. Allele origin: unknown. Affected: yes.
Comment: PVS1, PS3, PM2, PP3, PP5

Genome-Nilou Lab
Classification: Pathogenic for Familial hypokalemia-hypomagnesemia. Last evaluated: 2021-07-15. Review status: criteria provided, single submitter. Criteria: ACMG Guidelines, 2015. Collection method: clinical testing. Allele origin: germline. Affected: no.

NM_001126108.2(SLC12A3):c.1180+1G>T

Gene: SLC12A3 (solute carrier family 12 member 3; plus strand). Cytogenetic location: 16q13.
Variant type: single nucleotide variant.
Coding change: c.1180+1G>T on transcript NM_001126108.2 (MANE Select); the canonical splice donor site of the intron after coding-DNA position 1180, G replaced by T.
Molecular consequence: splice donor variant.
Genome position (GRCh38, 1-based): chr16:56,878,162, G>T. VCF-style: chr16-56878162-G-T. GRCh37 (hg19) VCF-style: chr16-56912074-G-T.
Other names: c.1180+1G>T (NM_001126108.1, NM_000339.3); c.1177+1G>T (NM_001126107.2, NM_001410896.1).
Identifiers: ClinVar variation 437426 (VCV000437426.36), dbSNP rs749098014, ClinGen allele CA8069368.